The following is an entry in ClinVar:

ClinVar aggregate classification (germline): Benign. Review status: criteria provided, multiple submitters, no conflicts (2 of 4 stars). 2 submissions from 2 submitters: Benign (2). Last evaluated 2018-06-18.

Allele frequency attached by ClinVar (database versions not stated): gnomAD 0.08375 and 0.08985; TOPMed 0.08497; 1000 Genomes Project 30x 0.11337; 1000 Genomes Project 0.11502.
gnomAD v4.1: 130,214 of 1,219,416 alleles (11%); highest among the groups gnomAD compares: South Asian, 27%; 8,173 homozygotes.

Submissions (2):

GeneDx
Classification: Benign. Last evaluated: 2018-06-18. Review status: criteria provided, single submitter. Criteria: GeneDx Variant Classification (06012015). Collection method: clinical testing. Allele origin: germline. Affected: yes.
Comment: This variant is considered likely benign or benign based on one or more of the following criteria: it is a conservative change, it occurs at a poorly conserved position in the protein, it is predicted to be benign by multiple in silico algorithms, and/or has population frequency not consistent with disease.

Breakthrough Genomics
Classification: Benign. Review status: criteria provided, single submitter. Criteria: ACMG Guidelines, 2015. Collection method: not provided. Allele origin: germline. Inheritance: Autosomal dominant inheritance. Affected: yes.

NM_001127222.2(CACNA1A):c.3693-127T>C

Gene: CACNA1A (calcium voltage-gated channel subunit alpha1 A; minus strand). Cytogenetic location: 19p13.13.
Variant type: single nucleotide variant.
Coding change: c.3693-127T>C on transcript NM_001127222.2 (MANE Select); 127 bases into the intron before coding-DNA position 3693, T replaced by C.
Molecular consequence: intron variant.
Genome position (GRCh38, 1-based): chr19:13,283,523, A>G on the plus strand (T>C on the coding strand, the complement: CACNA1A is on the minus strand). VCF-style: chr19-13283523-A-G. GRCh37 (hg19) VCF-style: chr19-13394337-A-G.
Other names: c.3696-127T>C (NM_001127221.2, NM_001174080.2); c.3705-127T>C (NM_000068.4, NM_023035.3).
Identifiers: ClinVar variation 680060 (VCV000680060.2), dbSNP rs72993587, ClinGen allele CA305562385.